The following is an entry in ClinVar:

NM_002440.4(MSH4):c.103C>A (p.Leu35Ile)

Gene: MSH4 (mutS homolog 4; plus strand). Cytogenetic location: 1p31.1.
Variant type: single nucleotide variant.
Coding change: c.103C>A on transcript NM_002440.4 (MANE Select); coding-DNA position 103, C replaced by A.
Protein change: p.Leu35Ile; replaces leucine 35 with isoleucine.
Molecular consequence: missense variant.
Genome position (GRCh38, 1-based): chr1:75,797,088, C>A. VCF-style: chr1-75797088-C-A. GRCh37 (hg19) VCF-style: chr1-76262773-C-A.
Other names: short protein forms L35I.
Identifiers: ClinVar variation 2353610 (VCV002353610.6), dbSNP rs143196853, ClinGen allele CA913871.

ClinVar aggregate classification (germline): Conflicting classifications of pathogenicity. Review status: criteria provided, conflicting classifications (1 of 4 stars). 2 submissions from 2 submitters: Uncertain significance (1); Likely benign (1). Last evaluated 2026-03-01.

Conditions:
Inborn genetic diseases. Identifiers: MedGen C0950123, MeSH D030342.

Allele frequency attached by ClinVar (database versions not stated): gnomAD exomes 0.00037; ExAC 0.00043; ESP Exome Variant Server 0.00046; gnomAD 0.00068; 1000 Genomes Project 30x 0.00078; 1000 Genomes Project 0.00080; TOPMed 0.00096.
gnomAD v4.1: 685 of 1,614,058 alleles (0.042%); highest among the groups gnomAD compares: Middle Eastern, 0.16%; 2 homozygotes.

Submissions (2):

CeGaT Center for Human Genetics Tuebingen
Classification: Likely benign. Last evaluated: 2026-03-01. Review status: criteria provided, single submitter. Criteria: CeGaT Center For Human Genetics Tuebingen Variant Classification Criteria Version 2. Collection method: clinical testing. Allele origin: germline. Affected: yes. Observed: 1 variant allele.
Comment: MSH4: BP4

Ambry Genetics
Classification: Uncertain significance for Inborn genetic diseases. Last evaluated: 2022-12-21. Review status: criteria provided, single submitter. Criteria: Ambry Variant Classification Scheme 2023. Collection method: clinical testing. Allele origin: germline.